The following is an entry in ClinVar:

ClinVar aggregate classification (germline): Uncertain significance. Review status: criteria provided, multiple submitters, no conflicts (2 of 4 stars). 2 submissions from 2 submitters: Uncertain significance (2). Last evaluated 2026-02-10.

Conditions:
POLD1-related polyposis and colorectal cancer syndrome (CRCS10). Also called: Colorectal cancer 10; COLORECTAL CANCER, SUSCEPTIBILITY TO, ON CHROMOSOME 19q; Colorectal cancer, susceptibility to, 10. Identifiers: Orphanet 220460, MedGen C2675481, MONDO:0012953, OMIM 612591.
Hereditary cancer-predisposing syndrome. Also called: Neoplastic Syndromes, Hereditary; Tumor predisposition; Hereditary Cancer Syndrome; Hereditary neoplastic syndrome. Identifiers: Orphanet 140162, MedGen C0027672, MeSH D009386, MONDO:0015356.

Allele frequency attached by ClinVar (database versions not stated): gnomAD exomes below 0.00001.
gnomAD v4.1: 2 of 1,611,366 alleles (0.00012%); highest among the groups gnomAD compares: South Asian, 0.0022%; no homozygotes.

Submissions (2):

Ambry Genetics
Classification: Uncertain significance for Hereditary cancer-predisposing syndrome. Last evaluated: 2026-02-10. Review status: criteria provided, single submitter. Criteria: Ambry Variant Classification Scheme 2023. Collection method: clinical testing. Allele origin: germline.
Comment: The p.S783T variant (also known as c.2347T>A), located in coding exon 18 of the POLD1 gene, results from a T to A substitution at nucleotide position 2347. The serine at codon 783 is replaced by threonine, an amino acid with similar properties. This amino acid position is highly conserved in available vertebrate species. In addition, this alteration is predicted to be tolerated by in silico analysis. Based on the available evidence, the clinical significance of this variant remains unclear.

Labcorp Genetics (formerly Invitae), Labcorp
Classification: Uncertain significance for POLD1-related polyposis and colorectal cancer syndrome. Last evaluated: 2025-04-07. Review status: criteria provided, single submitter. Criteria: Invitae Variant Classification Sherloc (09022015). Collection method: clinical testing. Allele origin: germline.
Comment: This sequence change replaces serine, which is neutral and polar, with threonine, which is neutral and polar, at codon 783 of the POLD1 protein (p.Ser783Thr). This variant is not present in population databases (gnomAD no frequency). This variant has not been reported in the literature in individuals affected with POLD1-related conditions. ClinVar contains an entry for this variant (Variation ID: 1427217). Invitae Evidence Modeling of protein sequence and biophysical properties (such as structural, functional, and spatial information, amino acid conservation, physicochemical variation, residue mobility, and thermodynamic stability) indicates that this missense variant is not expected to disrupt POLD1 protein function with a negative predictive value of 80%. In summary, the available evidence is currently insufficient to determine the role of this variant in disease. Therefore, it has been classified as a Variant of Uncertain Significance.

NM_002691.4(POLD1):c.2347T>A (p.Ser783Thr)

Gene: POLD1 (DNA polymerase delta 1, catalytic subunit; plus strand). Cytogenetic location: 19q13.33.
Variant type: single nucleotide variant.
Coding change: c.2347T>A on transcript NM_002691.4 (MANE Select); coding-DNA position 2347, T replaced by A.
Protein change: p.Ser783Thr; replaces serine 783 with threonine.
Molecular consequence: missense variant. On other transcripts: non-coding transcript variant (1).
Genome position (GRCh38, 1-based): chr19:50,413,838, T>A. VCF-style: chr19-50413838-T-A. GRCh37 (hg19) VCF-style: chr19-50917095-T-A.
Other names: c.2347T>A (NM_002691.2); c.2347T>A, p.Ser783Thr (NM_001256849.1); c.2425T>A, p.Ser809Thr (NM_001308632.1); short protein forms S809T, S783T.
Identifiers: ClinVar variation 1427217 (VCV001427217.9), dbSNP rs1601238976, ClinGen allele CA406984271.
Genomic context (GRCh38, chr19:50,413,838, plus strand): 5'-TTCGGCGTGTCCTCGGTGGCTGAGGCGATGGCCCTGGGGCGGGAGGCCGCGGACTGGGTG[T>A]CAGGTCACTTCCCGTCGCCCATCCGGCTGGAGTTTGAGAAGGTGCGTGGCTGGGTCAGGG-3'
Protein context (NP_002682.2, residues 773-793): ALGREAADWV[Ser783Thr]GHFPSPIRLE